The following is an entry in ClinVar:

NM_001365088.1(SLC12A6):c.3228-1G>A

Gene: SLC12A6 (solute carrier family 12 member 6; minus strand). Cytogenetic location: 15q14.
Variant type: single nucleotide variant.
Coding change: c.3228-1G>A on transcript NM_001365088.1 (MANE Select); the canonical splice acceptor site of the intron before coding-DNA position 3228, G replaced by A.
Molecular consequence: splice acceptor variant.
Genome position (GRCh38, 1-based): chr15:34,235,315, C>T on the plus strand (G>A on the coding strand, the complement: SLC12A6 is on the minus strand). VCF-style: chr15-34235315-C-T. GRCh37 (hg19) VCF-style: chr15-34527516-C-T.
Other names: c.3051-1G>A (NM_001042495.2, NM_001042494.2); c.3201-1G>A (NM_001042496.2); c.3183-1G>A (NM_001042497.2); c.3228-1G>A (NM_133647.2); c.3075-1G>A (NM_005135.2).
Identifiers: ClinVar variation 1508439 (VCV001508439.6), dbSNP rs2140633558, ClinGen allele CA391617418.

ClinVar aggregate classification (germline): Likely pathogenic (1 of 4 stars; one submission).

Submission:

Labcorp Genetics (formerly Invitae), Labcorp
Classification: Likely pathogenic. Last evaluated: 2023-12-09. Review status: criteria provided, single submitter. Criteria: Invitae Variant Classification Sherloc (09022015). Collection method: clinical testing. Allele origin: germline.
Comment: This sequence change affects an acceptor splice site in intron 23 of the SLC12A6 gene. It is expected to disrupt RNA splicing. Variants that disrupt the donor or acceptor splice site typically lead to a loss of protein function (PMID: 16199547), and loss-of-function variants in SLC12A6 are known to be pathogenic (PMID: 12368912, 16606917). This variant is not present in population databases (gnomAD no frequency). This variant has not been reported in the literature in individuals affected with SLC12A6-related conditions. ClinVar contains an entry for this variant (Variation ID: 1508439). Algorithms developed to predict the effect of sequence changes on RNA splicing suggest that this variant may disrupt the consensus splice site. In summary, the currently available evidence indicates that the variant is pathogenic, but additional data are needed to prove that conclusively. Therefore, this variant has been classified as Likely Pathogenic.

Literature cited by the submitters: PubMed 16199547; PubMed 12368912; PubMed 16606917.